The following is an entry in ClinVar:

NM_002941.4(ROBO1):c.2088+7T>G

Gene: ROBO1 (roundabout guidance receptor 1; minus strand). Cytogenetic location: 3p12.3.
Variant type: single nucleotide variant.
Coding change: c.2088+7T>G on transcript NM_002941.4 (MANE Select); 7 bases into the intron after coding-DNA position 2088, T replaced by G.
Molecular consequence: intron variant.
Genome position (GRCh38, 1-based): chr3:78,661,986, A>C on the plus strand (T>G on the coding strand, the complement: ROBO1 is on the minus strand). VCF-style: chr3-78661986-A-C. GRCh37 (hg19) VCF-style: chr3-78711136-A-C.
Other names: c.1980+7T>G (NM_001145845.2, NM_133631.4).
Identifiers: ClinVar variation 774169 (VCV000774169.33), dbSNP rs76931835, ClinGen allele CA2498789.

ClinVar aggregate classification (germline): Benign/Likely benign. Review status: criteria provided, multiple submitters, no conflicts (2 of 4 stars). 3 submissions from 3 submitters: Benign (1); Likely benign (1). 1 of the submissions does not count toward it. Last evaluated 2026-09-01.

Conditions:
ROBO1-related disorder. Also called: ROBO1-related condition.

Allele frequency attached by ClinVar (database versions not stated): 1000 Genomes Project 0.00260; 1000 Genomes Project 30x 0.00265; ESP Exome Variant Server 0.00447; gnomAD 0.00449 and 0.00451; TOPMed 0.00460; gnomAD exomes 0.00502 and 0.00650; ExAC 0.00669.
gnomAD v4.1: 10,119 of 1,605,822 alleles (0.63%); highest among the groups gnomAD compares: Non-Finnish European, 0.72%; 37 homozygotes.

Submissions (3):

CeGaT Center for Human Genetics Tuebingen
Classification: Likely benign. Last evaluated: 2026-09-01. Review status: criteria provided, single submitter. Criteria: CeGaT Center For Human Genetics Tuebingen Variant Classification Criteria Version 2. Collection method: clinical testing. Allele origin: germline. Affected: yes. Observed: 23 variant alleles.
Comment: ROBO1: BP4, BS2

Labcorp Genetics (formerly Invitae), Labcorp
Classification: Benign. Last evaluated: 2026-01-26. Review status: criteria provided, single submitter. Criteria: Invitae Variant Classification Sherloc (09022015). Collection method: clinical testing. Allele origin: germline.

PreventionGenetics, part of Exact Sciences
Classification: Benign for ROBO1-related condition. Last evaluated: 2023-01-30. Review status: no assertion criteria provided. Collection method: clinical testing. Allele origin: germline. Not counted in ClinVar's aggregate classification.
Comment: This variant is classified as benign based on ACMG/AMP sequence variant interpretation guidelines (Richards et al. 2015 PMID: 25741868, with internal and published modifications).